The following is an entry in ClinVar:

ClinVar aggregate classification (germline): Pathogenic (1 of 4 stars; one submission).

Submission:

Labcorp Genetics (formerly Invitae), Labcorp
Classification: Pathogenic. Last evaluated: 2023-08-04. Review status: criteria provided, single submitter. Criteria: Invitae Variant Classification Sherloc (09022015). Collection method: clinical testing. Allele origin: germline.
Comment: This variant has not been reported in the literature in individuals affected with BEST1-related conditions. ClinVar contains an entry for this variant (Variation ID: 1075489). For these reasons, this variant has been classified as Pathogenic. This variant is not present in population databases (gnomAD no frequency). This sequence change creates a premature translational stop signal (p.Glu440Alafs*19) in the BEST1 gene. It is expected to result in an absent or disrupted protein product. Loss-of-function variants in BEST1 are known to be pathogenic (PMID: 21825197).

Literature cited by the submitters: PubMed 21825197.

NM_004183.4(BEST1):c.1319_1388del (p.Glu440fs)

Gene: BEST1 (bestrophin 1; plus strand). Cytogenetic location: 11q12.3.
Variant type: Deletion.
Coding change: c.1319_1388del on transcript NM_004183.4 (MANE Select); coding-DNA positions 1319 to 1388, 70 bases deleted.
Protein change: p.Glu440fs; shifts the reading frame from glutamic acid 440.
Molecular consequence: frameshift variant. On other transcripts: non-coding transcript variant (1).
Genome position (GRCh38, 1-based): chr11:61,962,473-61,962,542, 70 bases deleted. GRCh37 (hg19): chr11:61,729,945-61,730,014.
Other names: c.1139_1208del70, p.Glu380Alafs (NM_001139443.3); c.1058_1127del, p.Glu353fs (NM_001300786.2); c.1139_1208del, p.Glu380fs (NM_001300787.2); c.1001_1070del70, p.Glu334Alafs (NM_001363591.3); c.*214_*283del70 (NM_001363592.2); c.347_416del70, p.Glu116Alafs (NM_001363593.3); short protein forms E116fs, E334fs, E353fs, E380fs, E440fs.
Identifiers: ClinVar variation 1075489 (VCV001075489.7), dbSNP rs2134469325, ClinGen allele CA2499221108.